The following is an entry in ClinVar:

NM_001001557.4(GDF6):c.481C>G (p.Leu161Val)

Gene: GDF6 (growth differentiation factor 6; minus strand). Cytogenetic location: 8q22.1.
Variant type: single nucleotide variant.
Coding change: c.481C>G on transcript NM_001001557.4 (MANE Select); coding-DNA position 481, C replaced by G.
Protein change: p.Leu161Val; replaces leucine 161 with valine.
Molecular consequence: missense variant.
Genome position (GRCh38, 1-based): chr8:96,145,450, G>C on the plus strand (C>G on the coding strand, the complement: GDF6 is on the minus strand). VCF-style: chr8-96145450-G-C. GRCh37 (hg19) VCF-style: chr8-97157678-G-C.
Other names: short protein forms L161V.
Identifiers: ClinVar variation 1053896 (VCV001053896.9), dbSNP rs958381615, ClinGen allele CA181485063.
Genomic context (GRCh38, chr8:96,145,450, plus strand): 5'-CTGGTGGCCCCCAGGGCGCTGAGGGCGCCTGGCGAAAGAGCCGCAGCTCCGCGCCCACCA[G>C]CTCTTCTTTGTCTGAGAGCATGGACACATCAAACAAATACTTCTGTCTCCGGAGAGGAGT-3'
Protein context (NP_001001557.1, residues 151-171): DVSMLSDKEE[Leu161Val]VGAELRLFRQ

ClinVar aggregate classification (germline): Uncertain significance (1 of 4 stars; one submission).

Conditions:
Microphthalmia, isolated, with coloboma 6 (MCOPCB6). Also called: MICROPHTHALMIA/COLOBOMA 6; Microphthalmia with coloboma 6, digenic; Microphthalmia with coloboma 6. Identifiers: Orphanet 98938, MedGen C3150968, MONDO:0013376, OMIM 613703.
Klippel-Feil syndrome 1, autosomal dominant (KFS1). Also called: CERVICAL VERTEBRAL FUSION, AUTOSOMAL DOMINANT. Identifiers: Orphanet 2345, MedGen C1861689, MONDO:0007306, OMIM 118100.
Leber congenital amaurosis 17 (LCA17). Identifiers: Orphanet 65, MedGen C3715164, MONDO:0014145, OMIM 615360.
Isolated microphthalmia 4. Identifiers: Orphanet 2542, MedGen C2751307, MONDO:0013130, OMIM 613094.

Allele frequency attached by ClinVar (database versions not stated): TOPMed 0.00001.

Submission:

Labcorp Genetics (formerly Invitae), Labcorp
Classification: Uncertain significance for Isolated microphthalmia 4; Leber congenital amaurosis 17; Klippel-Feil syndrome 1, autosomal dominant; Microphthalmia, isolated, with coloboma 6. Last evaluated: 2024-01-21. Review status: criteria provided, single submitter. Criteria: Invitae Variant Classification Sherloc (09022015). Collection method: clinical testing. Allele origin: germline.
Comment: This sequence change replaces leucine, which is neutral and non-polar, with valine, which is neutral and non-polar, at codon 161 of the GDF6 protein (p.Leu161Val). This variant is not present in population databases (gnomAD no frequency). This variant has not been reported in the literature in individuals affected with GDF6-related conditions. ClinVar contains an entry for this variant (Variation ID: 1053896). Advanced modeling of protein sequence and biophysical properties (such as structural, functional, and spatial information, amino acid conservation, physicochemical variation, residue mobility, and thermodynamic stability) performed at Invitae indicates that this missense variant is not expected to disrupt GDF6 protein function with a negative predictive value of 80%. In summary, the available evidence is currently insufficient to determine the role of this variant in disease. Therefore, it has been classified as a Variant of Uncertain Significance.